The following is an entry in ClinVar:

NM_001349338.3(FOXP1):c.1187C>T (p.Ser396Leu)

Gene: FOXP1 (forkhead box P1; minus strand). Cytogenetic location: 3p13.
Variant type: single nucleotide variant.
Coding change: c.1187C>T on transcript NM_001349338.3 (MANE Select); coding-DNA position 1187, C replaced by T.
Protein change: p.Ser396Leu; replaces serine 396 with leucine.
Molecular consequence: missense variant. On other transcripts: non-coding transcript variant (2).
Genome position (GRCh38, 1-based): chr3:70,977,989, G>A on the plus strand (C>T on the coding strand, the complement: FOXP1 is on the minus strand). VCF-style: chr3-70977989-G-A. GRCh37 (hg19) VCF-style: chr3-71027140-G-A.
Other names: c.1187C>T (NM_032682.5); c.887C>T, p.Ser296Leu (NM_001349342.3, NM_001370548.1, NM_001244813.3 and 1 more transcripts); c.884C>T, p.Ser295Leu (NM_001349343.3, NM_001349344.3, NM_001349337.2); c.1187C>T, p.Ser396Leu (NM_032682.6, NM_001244808.3, NM_001244810.2 and 3 more transcripts); c.959C>T, p.Ser320Leu (NM_001244812.3); c.1184C>T, p.Ser395Leu (NM_001349341.3); short protein forms S295L, S396L, S395L, S296L, S320L.
Identifiers: ClinVar variation 3669525 (VCV003669525.4).

ClinVar aggregate classification (germline): Uncertain significance. Review status: criteria provided, multiple submitters, no conflicts (2 of 4 stars). 3 submissions from 3 submitters: Uncertain significance (3). Last evaluated 2026-08-03.

Conditions:
Inborn genetic diseases. Identifiers: MedGen C0950123, MeSH D030342.

gnomAD v4.1: 2 of 1,614,120 alleles (0.00012%); highest among the groups gnomAD compares: Non-Finnish European, 0.00017%; no homozygotes.

Submissions (3):

Ambry Genetics
Classification: Uncertain significance for Inborn genetic diseases. Last evaluated: 2026-08-03. Review status: criteria provided, single submitter. Criteria: Ambry Variant Classification Scheme 2023. Collection method: clinical testing. Allele origin: germline.

CeGaT Center for Human Genetics Tuebingen
Classification: Uncertain significance. Last evaluated: 2026-08-01. Review status: criteria provided, single submitter. Criteria: CeGaT Center For Human Genetics Tuebingen Variant Classification Criteria Version 2. Collection method: clinical testing. Allele origin: germline. Affected: yes. Observed: 1 variant allele.

Labcorp Genetics (formerly Invitae), Labcorp
Classification: Uncertain significance. Last evaluated: 2024-11-25. Review status: criteria provided, single submitter. Criteria: Invitae Variant Classification Sherloc (09022015). Collection method: clinical testing. Allele origin: germline.
Comment: This sequence change replaces serine, which is neutral and polar, with leucine, which is neutral and non-polar, at codon 396 of the FOXP1 protein (p.Ser396Leu). This variant is not present in population databases (gnomAD no frequency). This variant has not been reported in the literature in individuals affected with FOXP1-related conditions. Invitae Evidence Modeling of protein sequence and biophysical properties (such as structural, functional, and spatial information, amino acid conservation, physicochemical variation, residue mobility, and thermodynamic stability) indicates that this missense variant is not expected to disrupt FOXP1 protein function with a negative predictive value of 95%. In summary, the available evidence is currently insufficient to determine the role of this variant in disease. Therefore, it has been classified as a Variant of Uncertain Significance.